The following is an entry in ClinVar:

ClinVar aggregate classification (germline): Uncertain significance (1 of 4 stars; one submission).

Conditions:
CD36-related disorder. Also called: CD36-related condition; CD36-related disorders.

Submission:

PreventionGenetics, part of Exact Sciences
Classification: Uncertain significance for CD36-related condition. Last evaluated: 2025-09-03. Review status: criteria provided, single submitter. Criteria: ACMG Guidelines, 2015. Collection method: clinical testing. Allele origin: germline.
Comment: The CD36 c.242_244delGCA variant is predicted to result in an in-frame deletion (p.Ser81del). To our knowledge, this variant has not been reported in the literature. This variant is reported in 0.0062% of alleles in individuals of African descent in gnomAD. At this time, the clinical significance of this variant is uncertain due to the absence of conclusive functional and genetic evidence.

NM_001001548.3(CD36):c.239GCA[1] (p.Ser81del)

Gene: CD36 (CD36 molecule (CD36 blood group); plus strand). Cytogenetic location: 7q21.11.
Variant type: Microsatellite.
Coding change: c.239GCA[1] on transcript NM_001001548.3 (MANE Select); one copy of the 3-base unit GCA starting at c.239; the reference has two copies in a row; one copy, 3 bases deleted.
Protein change: p.Ser81del; deletes serine 81.
Molecular consequence: inframe deletion. On other transcripts: 5 prime UTR variant (1), non-coding transcript variant (1), intron variant (1).
Genome position (GRCh38, 1-based): chr7:80,656,661-80,656,663, GCA deleted; deleting any 3 consecutive bases within chr7:80,656,656-80,656,663 gives the same sequence; the position shown is the placement nearest the transcript's 3' end. VCF-style (leftmost placement, unchanged base first): chr7-80656655-ACAG-A. GRCh37 (hg19) VCF-style: chr7-80285971-ACAG-A.
Other names: c.239GCA[1], p.Ser81del (NM_000072.3, NM_001001547.3, NM_001127443.2 and 7 more transcripts); c.11GCA[1], p.Ser5del (NM_001289911.2); c.137GCA[1], p.Ser47del (NM_001371079.1); c.-244GCA[1] (NM_001371081.1); c.-184-4402_-184-4400del (NM_001371080.1); short protein forms S47del, S81del, S5del.
Identifiers: ClinVar variation 4977324 (VCV004977324.1).